The following is an entry in ClinVar:

ClinVar aggregate classification (germline): Uncertain significance. Review status: criteria provided, single submitter (1 of 4 stars). 2 submissions from 2 submitters: Uncertain significance (1). 1 of the submissions does not count toward it. Last evaluated 2023-11-03.

Conditions:
Rare genetic intellectual disability. Identifiers: Orphanet 183757, MedGen C5680527.
Autosomal recessive ataxia, Beauce type. Also called: Spinocerebellar ataxia, autosomal recessive 8; ATAXIA, RECESSIVE, OF BEAUCE; SYNE1-Related Autosomal Recessive Cerebellar Ataxia; SYNE1 Deficiency. Identifiers: Orphanet 88644, MedGen C1853116, MONDO:0012549, OMIM 610743.
Emery-Dreifuss muscular dystrophy 4, autosomal dominant (EDMD4). Also called: EMERY-DREIFUSS MUSCULAR DYSTROPHY 4 WITH VARIABLE FEATURES. Identifiers: Orphanet 261, MedGen C2751807, MONDO:0013071, OMIM 612998.

Allele frequency attached by ClinVar (database versions not stated): gnomAD 0.00001; TOPMed 0.00002; ExAC 0.00006.
gnomAD v4.1: 41 of 1,614,194 alleles (0.0025%); highest among the groups gnomAD compares: Admixed American, 0.0083%; no homozygotes.

Submissions (2):

Labcorp Genetics (formerly Invitae), Labcorp
Classification: Uncertain significance for Emery-Dreifuss muscular dystrophy 4, autosomal dominant; Autosomal recessive ataxia, Beauce type. Last evaluated: 2023-11-03. Review status: criteria provided, single submitter. Criteria: Invitae Variant Classification Sherloc (09022015). Collection method: clinical testing. Allele origin: germline.
Comment: This sequence change replaces valine, which is neutral and non-polar, with methionine, which is neutral and non-polar, at codon 4954 of the SYNE1 protein (p.Val4954Met). This variant is present in population databases (rs748142987, gnomAD 0.009%). This variant has not been reported in the literature in individuals affected with SYNE1-related conditions. ClinVar contains an entry for this variant (Variation ID: 978409). An algorithm developed to predict the effect of missense changes on protein structure and function (PolyPhen-2) suggests that this variant¬¨‚Ä†is likely to be tolerated. In summary, the available evidence is currently insufficient to determine the role of this variant in disease. Therefore, it has been classified as a Variant of Uncertain Significance.

Service de Génétique Moléculaire, Hôpital Robert Debré
Classification: Uncertain significance for Rare genetic intellectual disability. Review status: no assertion criteria provided. Collection method: clinical testing. Allele origin: paternal. Not counted in ClinVar's aggregate classification.

NM_182961.4(SYNE1):c.15073G>A (p.Val5025Met)

Gene: SYNE1 (spectrin repeat containing nuclear envelope protein 1; minus strand). Cytogenetic location: 6q25.2.
Variant type: single nucleotide variant.
Coding change: c.15073G>A on transcript NM_182961.4 (MANE Select); coding-DNA position 15073, G replaced by A.
Protein change: p.Val5025Met; replaces valine 5025 with methionine.
Molecular consequence: missense variant.
Genome position (GRCh38, 1-based): chr6:152,326,516, C>T on the plus strand (G>A on the coding strand, the complement: SYNE1 is on the minus strand). VCF-style: chr6-152326516-C-T. GRCh37 (hg19) VCF-style: chr6-152647651-C-T.
Other names: c.14860G>A, p.Val4954Met (NM_033071.5); short protein forms V4954M, V5025M.
Identifiers: ClinVar variation 978409 (VCV000978409.8), dbSNP rs748142987, ClinGen allele CA4055882.